The following is an entry in ClinVar:

ClinVar aggregate classification (germline): Uncertain significance. Review status: criteria provided, multiple submitters, no conflicts (2 of 4 stars). 2 submissions from 2 submitters: Uncertain significance (2). Last evaluated 2025-04-05.

Conditions:
Hereditary cancer-predisposing syndrome. Also called: Tumor predisposition; Neoplastic Syndromes, Hereditary; Hereditary neoplastic syndrome; Hereditary Cancer Syndrome. Identifiers: Orphanet 140162, MedGen C0027672, MeSH D009386, MONDO:0015356.
Familial adenomatous polyposis 1 (FAP1). Also called: FAMILIAL ADENOMATOUS POLYPOSIS 1, ATTENUATED; POLYPOSIS, ADENOMATOUS INTESTINAL. Identifiers: MedGen C2713442, MONDO:0021056, OMIM 175100. Disease mechanism: loss of function.

Submissions (2):

Ambry Genetics
Classification: Uncertain significance for Hereditary cancer-predisposing syndrome. Last evaluated: 2025-04-05. Review status: criteria provided, single submitter. Criteria: Ambry Variant Classification Scheme 2023. Collection method: clinical testing. Allele origin: germline.
Comment: The p.G2107V variant (also known as c.6320G>T), located in coding exon 15 of the APC gene, results from a G to T substitution at nucleotide position 6320. The glycine at codon 2107 is replaced by valine, an amino acid with dissimilar properties. This amino acid position is conserved. In addition, in silico predictors for this gene do not accurately predict pathogenicity. Based on the available evidence, the clinical significance of this variant remains unclear.

Labcorp Genetics (formerly Invitae), Labcorp
Classification: Uncertain significance for Familial adenomatous polyposis 1. Last evaluated: 2021-03-12. Review status: criteria provided, single submitter. Criteria: Invitae Variant Classification Sherloc (09022015). Collection method: clinical testing. Allele origin: germline.
Comment: This sequence change replaces glycine with valine at codon 2107 of the APC protein (p.Gly2107Val). The glycine residue is highly conserved and there is a moderate physicochemical difference between glycine and valine. This variant is not present in population databases (ExAC no frequency). This variant has not been reported in the literature in individuals with APC-related conditions. Algorithms developed to predict the effect of missense changes on protein structure and function are either unavailable or do not agree on the potential impact of this missense change (SIFT: "Deleterious"; PolyPhen-2: "Probably Damaging"; Align-GVGD: "Class C15"). In summary, the available evidence is currently insufficient to determine the role of this variant in disease. Therefore, it has been classified as a Variant of Uncertain Significance.

NM_000038.6(APC):c.6320G>T (p.Gly2107Val)

Gene: APC (APC regulator of Wnt signaling pathway; plus strand). Cytogenetic location: 5q22.2.
Variant type: single nucleotide variant.
Coding change: c.6320G>T on transcript NM_000038.6 (MANE Select); coding-DNA position 6320, G replaced by T.
Protein change: p.Gly2107Val; replaces glycine 2107 with valine.
Molecular consequence: missense variant.
Genome position (GRCh38, 1-based): chr5:112,841,914, G>T. VCF-style: chr5-112841914-G-T. GRCh37 (hg19) VCF-style: chr5-112177611-G-T.
Other names: c.6320G>T, p.Gly2107Val (NM_001127510.3, NM_001354895.2); c.6266G>T, p.Gly2089Val (NM_001127511.3); c.6374G>T, p.Gly2125Val (NM_001354896.2); c.6350G>T, p.Gly2117Val (NM_001354897.2); c.6245G>T, p.Gly2082Val (NM_001354898.2); c.6236G>T, p.Gly2079Val (NM_001354899.2); c.6197G>T, p.Gly2066Val (NM_001354900.2); c.6143G>T, p.Gly2048Val (NM_001354901.2); and 6 more; short protein forms G1824V, G1947V, G2066V, G2089V, G2107V, G1981V, G2082V, G2117V.
Identifiers: ClinVar variation 1516072 (VCV001516072.9), dbSNP rs2149962316, ClinGen allele CA16035177.